The following is an entry in ClinVar:

ClinVar aggregate classification (germline): Conflicting classifications of pathogenicity. Review status: criteria provided, conflicting classifications (1 of 4 stars). 2 submissions from 2 submitters: Uncertain significance (1); Likely benign (1). Last evaluated 2025-11-24.

Conditions:
TNF receptor-associated periodic fever syndrome (TRAPS) (FPF). Also called: TNF RECEPTOR-ASSOCIATED PERIODIC SYNDROME; TUMOR NECROSIS FACTOR RECEPTOR-ASSOCIATED PERIODIC SYNDROME; FAMILIAL HIBERNIAN FEVER; TNF receptor 1-associated periodic fever syndrome; TNF Receptor-Associated Periodic Fever Syndrome; Autosomal Dominant Familial Periodic Fever. Identifiers: Orphanet 32960, MedGen C1275126, MONDO:0007727, OMIM 142680.

Allele frequency attached by ClinVar (database versions not stated): TOPMed 0.00001.

Submissions (2):

Labcorp Genetics (formerly Invitae), Labcorp
Classification: Uncertain significance for TNF receptor-associated periodic fever syndrome (TRAPS). Last evaluated: 2025-11-24. Review status: criteria provided, single submitter. Criteria: Invitae Variant Classification Sherloc (09022015). Collection method: clinical testing. Allele origin: germline.
Comment: This sequence change falls in intron 5 of the TNFRSF1A gene. It does not directly change the encoded amino acid sequence of the TNFRSF1A protein. This variant is not present in population databases (gnomAD no frequency). This variant has not been reported in the literature in individuals affected with TNFRSF1A-related conditions. ClinVar contains an entry for this variant (Variation ID: 811298). Algorithms developed to predict the effect of sequence changes on RNA splicing suggest that this variant may create or strengthen a splice site. In summary, the available evidence is currently insufficient to determine the role of this variant in disease. Therefore, it has been classified as a Variant of Uncertain Significance.

ARUP Laboratories, Molecular Genetics and Genomics, ARUP Laboratories
Classification: Likely benign. Last evaluated: 2019-06-07. Review status: criteria provided, single submitter. Criteria: ARUP Molecular Germline Variant Investigation Process. Collection method: clinical testing. Allele origin: germline.

NM_001065.4(TNFRSF1A):c.552-16C>A

Gene: TNFRSF1A (TNF receptor superfamily member 1A; minus strand). Cytogenetic location: 12p13.31.
Variant type: single nucleotide variant.
Coding change: c.552-16C>A on transcript NM_001065.4 (MANE Select); 16 bases into the intron before coding-DNA position 552, C replaced by A.
Molecular consequence: intron variant.
Genome position (GRCh38, 1-based): chr12:6,330,942, G>T on the plus strand (C>A on the coding strand, the complement: TNFRSF1A is on the minus strand). VCF-style: chr12-6330942-G-T. GRCh37 (hg19) VCF-style: chr12-6440108-G-T.
Other names: c.228-16C>A (NM_001346091.2); c.93-16C>A (NM_001346092.2).
Identifiers: ClinVar variation 811298 (VCV000811298.9), dbSNP rs1592045411, ClinGen allele CA915947870.